The following is an entry in ClinVar:

ClinVar aggregate classification (germline): Uncertain significance. Review status: criteria provided, single submitter (1 of 4 stars). 2 submissions from 2 submitters: Uncertain significance (1). 1 of the submissions does not count toward it. Last evaluated 2026-08-18.

Conditions:
Hereditary cancer-predisposing syndrome. Also called: Tumor predisposition; Hereditary neoplastic syndrome; Neoplastic Syndromes, Hereditary; Hereditary Cancer Syndrome. Identifiers: Orphanet 140162, MedGen C0027672, MeSH D009386, MONDO:0015356.
PMS2-related disorder. Also called: PMS2-related condition.

Allele frequency attached by ClinVar (database versions not stated): TOPMed below 0.00001; gnomAD 0.00001.
gnomAD v4.1: 1 of 1,579,612 alleles (0.000063%); highest among the groups gnomAD compares: African/African-American, 0.0013%; no homozygotes.

Submissions (2):

Ambry Genetics
Classification: Uncertain significance for Hereditary cancer-predisposing syndrome. Last evaluated: 2026-08-18. Review status: criteria provided, single submitter. Criteria: Ambry Variant Classification Scheme 2023. Collection method: clinical testing. Allele origin: germline.
Comment: The p.C115F variant (also known as c.344G>T), located in coding exon 4 of the PMS2 gene, results from a G to T substitution at nucleotide position 344. The cysteine at codon 115 is replaced by phenylalanine, an amino acid with highly dissimilar properties. This amino acid position is highly conserved in available vertebrate species. In addition, this alteration is predicted to be deleterious by in silico analysis. Based on the available evidence, the clinical significance of this variant remains unclear.

PreventionGenetics, part of Exact Sciences
Classification: Uncertain significance for PMS2-related condition. Last evaluated: 2024-04-11. Review status: no assertion criteria provided. Collection method: clinical testing. Allele origin: germline. Not counted in ClinVar's aggregate classification.
Comment: The PMS2 c.344G>T variant is predicted to result in the amino acid substitution p.Cys115Phe. To our knowledge, this variant has not been reported in the literature or in a large population database, indicating this variant is rare. At this time, the clinical significance of this variant is uncertain due to the absence of conclusive functional and genetic evidence.

NM_000535.7(PMS2):c.344G>T (p.Cys115Phe)

Gene: PMS2 (PMS1 homolog 2, mismatch repair system component; minus strand). Cytogenetic location: 7p22.1.
Variant type: single nucleotide variant.
Coding change: c.344G>T on transcript NM_000535.7 (MANE Select); coding-DNA position 344, G replaced by T.
Protein change: p.Cys115Phe; replaces cysteine 115 with phenylalanine.
Molecular consequence: missense variant. On other transcripts: 5 prime UTR variant (9), non-coding transcript variant (1), intron variant (2).
Genome position (GRCh38, 1-based): chr7:6,003,699, C>A on the plus strand (G>T on the coding strand, the complement: PMS2 is on the minus strand). VCF-style: chr7-6003699-C-A. GRCh37 (hg19) VCF-style: chr7-6043330-C-A.
Other names: c.-62G>T (NM_001322003.2, NM_001322004.2, NM_001322005.2 and 3 more transcripts); c.344G>T, p.Cys115Phe (NM_001322006.2, NM_001322014.2); c.-541G>T (NM_001322011.2, NM_001322012.2); c.344G>T (NM_000535.6); c.-141G>T (NM_001322015.2); c.35+273G>T (NM_001322008.2, NM_001322007.2); short protein forms C115F.
Identifiers: ClinVar variation 823786 (VCV000823786.6), dbSNP rs1263334638, ClinGen allele CA366744540.